The following is an entry in ClinVar:

ClinVar aggregate classification (germline): Pathogenic (0 of 4 stars; one submission).

Conditions:
Fanconi anemia complementation group A (FANCA). Also called: Fanconi anemia, group A; FANCA-Related Fanconi Anemia. Identifiers: Orphanet 84, MedGen C3469521, MONDO:0009215, OMIM 227650.

Submission:

Leiden Open Variation Database
Classification: Pathogenic for Fanconi anemia complementation group A. Last evaluated: 2020-02-28. Review status: no assertion criteria provided. Collection method: curation. Allele origin: germline. Affected: yes.
Comment: Curator: Arleen D. Auerbach. Submitter to LOVD: Arleen D. Auerbach.

Literature cited by the submitters: PubMed 25168418.

NC_000016.10:g.88295414_88321699del

Variant type: Deletion.
Identifiers: ClinVar variation 974043 (VCV000974043.1).